The following is an entry in ClinVar:

NM_000079.4(CHRNA1):c.738CTT[1] (p.Phe247del)

Gene: CHRNA1 (cholinergic receptor nicotinic alpha 1 subunit; minus strand). Cytogenetic location: 2q31.1.
Variant type: Microsatellite.
Coding change: c.738CTT[1] on transcript NM_000079.4 (MANE Select); one copy of the 3-base unit CTT starting at c.738; the reference has two copies in a row; one copy, 3 bases deleted; also written c.741_743del.
Protein change: p.Phe247del; deletes phenylalanine 247.
Molecular consequence: inframe deletion.
Genome position (GRCh38, 1-based): chr2:174,753,538-174,753,540, AAG deleted on the plus strand (CTT on the coding strand, the reverse complement: CHRNA1 is on the minus strand); deleting any 3 consecutive bases within chr2:174,753,538-174,753,543 gives the same sequence; the position shown is the placement nearest the transcript's 3' end. VCF-style (leftmost placement, unchanged base first): chr2-174753537-TAAG-T. GRCh37 (hg19) VCF-style: chr2-175618265-TAAG-T.
Other names: c.741_743del (NM_000079.4); c.813CTT[1], p.Phe272del (NM_001039523.3); short protein forms F247del, F272del.
Identifiers: ClinVar variation 4854906 (VCV004854906.1).
Genomic context (GRCh38, chr2:174,753,537, plus strand): 5'-GCAGCAGTCATGGCAACCACACCCACCTGAGTCTGTGGGCAGGTAGAATACCAGGCCAGT[TAAG>T]AAGGAGAAGAGCAGGCAGGGGATGATGACGTTGACGATGAAGTAGAGGGGCAGGCGCTGC-3'

ClinVar aggregate classification (germline): Uncertain significance (1 of 4 stars; one submission).

Conditions:
Myasthenic syndrome, congenital, 1A, slow-channel. Also called: CMS IIa; MYASTHENIC SYNDROME, CONGENITAL, TYPE IIa; Congenital myasthenic syndrome 1A. Identifiers: MedGen C2931107, MONDO:0011088, OMIM 601462.

Submission:

3billion
Classification: Uncertain significance for Myasthenic syndrome, congenital, 1A, slow-channel. Last evaluated: 2025-12-19. Review status: criteria provided, single submitter. Criteria: ACMG Guidelines, 2015. Collection method: clinical testing. Allele origin: germline. Affected: yes.
Comment: The variant is not observed in the gnomAD v4.1.0 dataset. Predicted Consequence/Location: Inframe deletion located in a nonrepeat region: predicted to change the length of the protein and disrupt normal protein function. Therefore, this variant is classified as VUS according to the recommendation of ACMG/AMP guideline.